The following is an entry in ClinVar:

NM_000245.4(MET):c.1689T>C (p.Pro563=)

Gene: MET (MET proto-oncogene, receptor tyrosine kinase; plus strand). Cytogenetic location: 7q31.2.
Variant type: single nucleotide variant.
Coding change: c.1689T>C on transcript NM_000245.4 (MANE Select); coding-DNA position 1689, T replaced by C.
Protein change: p.Pro563=; no amino-acid change (proline 563 retained).
Molecular consequence: synonymous variant.
Genome position (GRCh38, 1-based): chr7:116,741,013, T>C. VCF-style: chr7-116741013-T-C. GRCh37 (hg19) VCF-style: chr7-116381067-T-C.
Other names: c.1689T>C, p.Pro563= (NM_001127500.3, NM_001324401.3); c.399T>C, p.Pro133= (NM_001324402.2).
Identifiers: ClinVar variation 819838 (VCV000819838.14), dbSNP rs1282444375, ClinGen allele CA457215668.

ClinVar aggregate classification (germline): Benign/Likely benign. Review status: criteria provided, multiple submitters, no conflicts (2 of 4 stars). 3 submissions from 3 submitters: Benign (1); Likely benign (2). Last evaluated 2025-12-04.

Conditions:
Renal cell carcinoma. Identifiers: Orphanet 217071, MedGen C0007134, MeSH D002292, MONDO:0005086, HP:0005584.
Papillary renal cell carcinoma type 1 (RCCP1). Also called: RENAL CELL CARCINOMA, PAPILLARY, 1, SOMATIC; Renal adenocarcinoma; Renal cell carcinoma 1; Renal cell carcinoma, somatic. Identifiers: Orphanet 47044, MedGen C1336839, OMIM 605074, HP:0011797.
Hereditary cancer-predisposing syndrome. Also called: Neoplastic Syndromes, Hereditary; Tumor predisposition; Hereditary Cancer Syndrome; Hereditary neoplastic syndrome. Identifiers: Orphanet 140162, MedGen C0027672, MeSH D009386, MONDO:0015356.

Allele frequency attached by ClinVar (database versions not stated): gnomAD exomes below 0.00001.
gnomAD v4.1: 5 of 1,612,796 alleles (0.00031%); highest among the groups gnomAD compares: African/African-American, 0.0013%; no homozygotes.

Submissions (3):

Labcorp Genetics (formerly Invitae), Labcorp
Classification: Likely benign for Renal cell carcinoma. Last evaluated: 2025-12-04. Review status: criteria provided, single submitter. Criteria: Invitae Variant Classification Sherloc (09022015). Collection method: clinical testing. Allele origin: germline.

Myriad Genetics, Inc.
Classification: Benign for Papillary renal cell carcinoma type 1. Last evaluated: 2024-11-07. Review status: criteria provided, single submitter. Criteria: Myriad Autosomal Dominant, Autosomal Recessive and X-Linked Classification Criteria (2023). Collection method: clinical testing. Allele origin: unknown.
Comment: This variant is considered benign. This variant is a silent/synonymous amino acid change and it is not expected to impact splicing.

Ambry Genetics
Classification: Likely benign for Hereditary cancer-predisposing syndrome. Last evaluated: 2019-05-30. Review status: criteria provided, single submitter. Criteria: Ambry Variant Classification Scheme 2023. Collection method: clinical testing. Allele origin: germline.